The following is an entry in ClinVar:

NM_001378454.1(ALMS1):c.4824_4826del (p.Asp1609del)

Gene: ALMS1 (ALMS1 centrosome and basal body associated protein; plus strand). Cytogenetic location: 2p13.1.
Variant type: Deletion.
Coding change: c.4824_4826del on transcript NM_001378454.1 (MANE Select); coding-DNA positions 4824 to 4826, 3 bases deleted (TGA; older notation c.4824_4826delTGA).
Protein change: p.Asp1609del; deletes aspartic acid 1609.
Molecular consequence: inframe deletion.
Genome position (GRCh38, 1-based): chr2:73,451,351-73,451,353, TGA deleted. VCF-style (leftmost placement, unchanged base first): chr2-73451350-CTGA-C. GRCh37 (hg19) VCF-style: chr2-73678477-CTGA-C.
Other names: c.4827_4829delTGA (NM_015120.4); c.4827_4829del, p.Asp1610del (NM_015120.4); short protein forms D1610del, D1609del.
Identifiers: ClinVar variation 373263 (VCV000373263.2), dbSNP rs1057518311, ClinGen allele CA16042436.

ClinVar aggregate classification (germline): Uncertain significance. Review status: criteria provided, single submitter (1 of 4 stars). 2 submissions from 2 submitters: Uncertain significance (1). 1 of the submissions does not count toward it. Last evaluated 2016-11-17.

Conditions:
Alstrom syndrome (ALMS). Identifiers: Orphanet 64, MedGen C0268425, MONDO:0008763, OMIM 203800.

Submissions (2):

GeneDx
Classification: Uncertain significance. Last evaluated: 2016-11-17. Review status: criteria provided, single submitter. Criteria: GeneDx Variant Classification (06012015). Collection method: clinical testing. Allele origin: germline. Affected: yes.
Comment: A variant of uncertain significance has been identified in the ALMS1 gene. The c.4827_4829delTGA variant has not been published as a pathogenic variant, nor has it been reported as a benign variant to our knowledge. This variant was not observed in the Exome Aggregation Consortium. The c.4827_4829delTGA variant results in the deletion of a non-conserved Aspartic acid residue at codon 1610 in the ALMS1 gene. However, as this is an in-frame deletion, it is not expected to result in either an abnormal, truncated protein product or loss of protein from this allele through nonsense-mediated mRNA decay.Therefore, based on the currently available information, it is unclear whether this variant is pathogenic or rare benign. As cardiomyopathy due to pathogenic variants in the ALMS1 gene is an autosomal recessive disease, it is expected that an affected individual would harbor pathogenic variants in both alleles of the ALMS1 gene (in trans). However, no second pathogenic variant was identified by this sequence and deletion/duplication analysis. This result cannot be interpreted for diagnosis or used for family member screening at this time.

Natera, Inc.
Classification: Uncertain significance for Alstrom syndrome. Last evaluated: 2020-09-16. Review status: no assertion criteria provided. Collection method: clinical testing. Allele origin: germline. Not counted in ClinVar's aggregate classification.